The following is an entry in ClinVar:

NM_182920.2(ADAMTS9):c.1834A>G (p.Ile612Val)

Gene: ADAMTS9 (ADAM metallopeptidase with thrombospondin type 1 motif 9; minus strand). Cytogenetic location: 3p14.1.
Variant type: single nucleotide variant.
Coding change: c.1834A>G on transcript NM_182920.2 (MANE Select); coding-DNA position 1834, A replaced by G.
Protein change: p.Ile612Val; replaces isoleucine 612 with valine.
Molecular consequence: missense variant.
Genome position (GRCh38, 1-based): chr3:64,641,870, T>C on the plus strand (A>G on the coding strand, the complement: ADAMTS9 is on the minus strand). VCF-style: chr3-64641870-T-C. GRCh37 (hg19) VCF-style: chr3-64627546-T-C.
Other names: c.1750A>G, p.Ile584Val (NM_001318781.2); c.1834A>G (NM_182920.1); short protein forms I584V, I612V.
Identifiers: ClinVar variation 3648144 (VCV003648144.3).

ClinVar aggregate classification (germline): Conflicting classifications of pathogenicity. Review status: criteria provided, conflicting classifications (1 of 4 stars). 2 submissions from 2 submitters: Uncertain significance (1); Likely benign (1). Last evaluated 2025-12-03.

gnomAD v4.1: 160 of 1,614,136 alleles (0.0099%); highest among the groups gnomAD compares: Middle Eastern, 0.082%; no homozygotes.

Submissions (2):

Labcorp Genetics (formerly Invitae), Labcorp
Classification: Uncertain significance. Last evaluated: 2025-12-03. Review status: criteria provided, single submitter. Criteria: Invitae Variant Classification Sherloc (09022015). Collection method: clinical testing. Allele origin: germline.
Comment: This sequence change replaces isoleucine, which is neutral and non-polar, with valine, which is neutral and non-polar, at codon 612 of the ADAMTS9 protein (p.Ile612Val). This variant is present in population databases (rs201428033, gnomAD 0.03%). This variant has not been reported in the literature in individuals affected with ADAMTS9-related conditions. ClinVar contains an entry for this variant (Variation ID: 3648144). An algorithm developed to predict the effect of missense changes on protein structure and function outputs the following: PolyPhen-2: "Benign". The valine amino acid residue is found in multiple mammalian species, which suggests that this missense change does not adversely affect protein function. In summary, the available evidence is currently insufficient to determine the role of this variant in disease. Therefore, it has been classified as a Variant of Uncertain Significance.

Ambry Genetics
Classification: Likely benign. Last evaluated: 2025-08-27. Review status: criteria provided, single submitter. Criteria: Ambry Variant Classification Scheme 2023. Collection method: clinical testing. Allele origin: germline.